The following is an entry in ClinVar:

NM_004725.4(BUB3):c.788C>T (p.Pro263Leu)

Gene: BUB3 (BUB3 mitotic checkpoint protein; plus strand). Cytogenetic location: 10q26.13.
Variant type: single nucleotide variant.
Coding change: c.788C>T on transcript NM_004725.4 (MANE Select); coding-DNA position 788, C replaced by T.
Protein change: p.Pro263Leu; replaces proline 263 with leucine.
Molecular consequence: missense variant.
Genome position (GRCh38, 1-based): chr10:123,162,645, C>T. VCF-style: chr10-123162645-C-T. GRCh37 (hg19) VCF-style: chr10-124922161-C-T.
Other names: c.788C>T, p.Pro263Leu (NM_001007793.3); short protein forms P263L.
Identifiers: ClinVar variation 2496888 (VCV002496888.2), dbSNP rs2133570519, ClinGen allele CA378626917.

ClinVar aggregate classification (germline): Uncertain significance (1 of 4 stars; one submission).

Submission:

Ambry Genetics
Classification: Uncertain significance. Last evaluated: 2023-02-09. Review status: criteria provided, single submitter. Criteria: Ambry Variant Classification Scheme 2023. Collection method: clinical testing. Allele origin: germline.
Comment: The p.P263L variant (also known as c.788C>T), located in coding exon 6 of the BUB3 gene, results from a C to T substitution at nucleotide position 788. The proline at codon 263 is replaced by leucine, an amino acid with similar properties. This amino acid position is conserved. In addition, this alteration is predicted to be deleterious by in silico analysis. Since supporting evidence is limited at this time, the clinical significance of this alteration remains unclear.